The following is an entry in ClinVar:

NM_001031689.3(PLAA):c.1139T>A (p.Val380Asp)

Gene: PLAA (phospholipase A2 activating protein; minus strand). Cytogenetic location: 9p21.2.
Variant type: single nucleotide variant.
Coding change: c.1139T>A on transcript NM_001031689.3 (MANE Select); coding-DNA position 1139, T replaced by A.
Protein change: p.Val380Asp; replaces valine 380 with aspartic acid.
Molecular consequence: missense variant.
Genome position (GRCh38, 1-based): chr9:26,920,285, A>T on the plus strand (T>A on the coding strand, the complement: PLAA is on the minus strand). VCF-style: chr9-26920285-A-T. GRCh37 (hg19) VCF-style: chr9-26920283-A-T.
Other names: c.1139T>A, p.Val380Asp (NM_001321546.2); c.1139T>A (NM_001031689.2); short protein forms V380D.
Identifiers: ClinVar variation 1349570 (VCV001349570.4), dbSNP rs753882817, ClinGen allele CA5014457.

ClinVar aggregate classification (germline): Uncertain significance. Review status: criteria provided, multiple submitters, no conflicts (2 of 4 stars). 2 submissions from 2 submitters: Uncertain significance (2). Last evaluated 2023-05-26.

Conditions:
Inborn genetic diseases. Identifiers: MedGen C0950123, MeSH D030342.

Allele frequency attached by ClinVar (database versions not stated): ExAC 0.00001; gnomAD 0.00002; gnomAD exomes 0.00002 and 0.00004; TOPMed 0.00002.

Submissions (2):

Ambry Genetics
Classification: Uncertain significance for Inborn genetic diseases. Last evaluated: 2023-05-26. Review status: criteria provided, single submitter. Criteria: Ambry Variant Classification Scheme 2023. Collection method: clinical testing. Allele origin: germline.

Labcorp Genetics (formerly Invitae), Labcorp
Classification: Uncertain significance. Last evaluated: 2022-10-14. Review status: criteria provided, single submitter. Criteria: Invitae Variant Classification Sherloc (09022015). Collection method: clinical testing. Allele origin: germline.
Comment: This sequence change replaces valine, which is neutral and non-polar, with aspartic acid, which is acidic and polar, at codon 380 of the PLAA protein (p.Val380Asp). This variant is present in population databases (rs753882817, gnomAD 0.004%). This variant has not been reported in the literature in individuals affected with PLAA-related conditions. ClinVar contains an entry for this variant (Variation ID: 1349570). Advanced modeling of protein sequence and biophysical properties (such as structural, functional, and spatial information, amino acid conservation, physicochemical variation, residue mobility, and thermodynamic stability) performed at Invitae indicates that this missense variant is expected to disrupt PLAA protein function. In summary, the available evidence is currently insufficient to determine the role of this variant in disease. Therefore, it has been classified as a Variant of Uncertain Significance.